The following is an entry in ClinVar:

ClinVar aggregate classification (germline): Conflicting classifications of pathogenicity. Review status: criteria provided, conflicting classifications (1 of 4 stars). 8 submissions from 8 submitters: Pathogenic (1); Likely pathogenic (2); Uncertain significance (5). Last evaluated 2025-12-17.

Conditions:
Hyperthyroxinemia, dystransthyretinemic. Also called: EUTHRYROIDAL HYPERTHYROXINEMIA 2; HYPERTHYROXINEMIA, DYSPREALBUMINEMIC. Identifiers: MedGen C2750824, MONDO:0007785, OMIM 145680.
Carpal tunnel syndrome 1 (CTS1). Also called: Carpal tunnel syndrome, familial. Identifiers: MedGen C5779776, MONDO:0020730, OMIM 115430.
Amyloidosis, hereditary systemic 1 (AMYLD1). Also called: Isolated Cardiac Amyloidosis; Amyloid Cardiomyopathy, Transthyretin-related; AMYLOID CARDIOMYOPATHY; Hereditary Transthyretin Amyloidosis; Transthyretin Amyloidosis; Familial amyloid polyneuropathy. Identifiers: Orphanet 85447, Orphanet 85451, MedGen C2751492, MONDO:0971004, OMIM 105210.
Cardiovascular phenotype. Identifiers: MedGen CN230736.

Allele frequency attached by ClinVar (database versions not stated): TOPMed below 0.00001; ExAC 0.00001; gnomAD 0.00001.

Submissions (8):

Labcorp Genetics (formerly Invitae), Labcorp
Classification: Pathogenic for Amyloidosis, hereditary systemic 1. Last evaluated: 2025-12-17. Review status: criteria provided, single submitter. Criteria: Invitae Variant Classification Sherloc (09022015). Collection method: clinical testing. Allele origin: germline.
Comment: This sequence change replaces alanine, which is neutral and non-polar, with threonine, which is neutral and polar, at codon 101 of the TTR protein (p.Ala101Thr). This variant is present in population databases (rs730881165, gnomAD 0.007%). This missense change has been observed in individuals with clinical features of TTR-related conditions (PMID: 21520333; internal data). ClinVar contains an entry for this variant (Variation ID: 181696). Invitae Evidence Modeling of protein sequence and biophysical properties (such as structural, functional, and spatial information, amino acid conservation, physicochemical variation, residue mobility, and thermodynamic stability) indicates that this missense variant is expected to disrupt TTR protein function with a positive predictive value of 95%. This variant disrupts the p.Ala101 amino acid residue in TTR. Other variant(s) that disrupt this residue have been determined to be pathogenic (internal data). This suggests that this residue is clinically significant, and that variants that disrupt this residue are likely to be disease-causing. For these reasons, this variant has been classified as Pathogenic.

Mayo Clinic Laboratories, Mayo Clinic
Classification: Likely pathogenic. Last evaluated: 2025-01-13. Review status: criteria provided, single submitter. Criteria: ACMG Guidelines, 2015. Collection method: clinical testing. Allele origin: germline. Observed: 2 variant alleles.
Comment: PP2, PP4, PM2_moderate, PS4_moderate

Women's Health and Genetics/Laboratory Corporation of America, LabCorp
Classification: Uncertain significance. Last evaluated: 2024-06-26. Review status: criteria provided, single submitter. Criteria: LabCorp Variant Classification Summary - May 2015. Collection method: clinical testing. Allele origin: germline.
Comment: Variant summary: TTR c.301G>A (p.Ala101Thr) results in a non-conservative amino acid change located in the transthyretin/hydroxyisourate hydrolase domain (IPR023416) of the encoded protein sequence. Four of five in-silico tools predict a benign effect of the variant on protein function. The variant allele was found at a frequency of 1.2e-05 in 251436 control chromosomes. c.301G>A has been reported in the literature in individuals affected with Transthyretin Amyloidosis, however often with limited evidence for causality (i.e. lack of segregation data or family history) (e.g. Benson_2003, Connors_2003, Obici_2012, Quarta_2014, Sperry_2018, Damy_2019, Bampatsias_2023). These data indicate that the variant may be associated with disease. To our knowledge, no experimental evidence demonstrating an impact on protein function has been reported. The following publications have been ascertained in the context of this evaluation (PMID: 15123043, 14640030, 30938420, 15645642, 22551192, 24563469, 17338921, 30336828, 37805173). ClinVar contains an entry for this variant (Variation ID: 181696). Based on the evidence outlined above, the variant was classified as VUS-possibly pathogenic.

Ambry Genetics
Classification: Likely pathogenic for Cardiovascular phenotype. Last evaluated: 2024-06-05. Review status: criteria provided, single submitter. Criteria: Ambry Variant Classification Scheme 2023. Collection method: clinical testing. Allele origin: germline.
Comment: The c.301G>A (p.A101T) alteration is located in exon 3 (coding exon 3) of the TTR gene. This alteration results from a G to A substitution at nucleotide position 301, causing the alanine (A) at amino acid position 101 to be replaced by a threonine (T). Based on data from gnomAD, the A allele has an overall frequency of 0.001% (3/251436) total alleles studied. The highest observed frequency was 0.006% (1/16256) of African/African American alleles. This variant was reported in multiple individuals with features consistent with hereditary transthyretin-related amyloidosis; including one proband with immunohistochemically-confirmed diagnosis of hereditary transthyretin-related amyloidosis (Connors, 2003; Obici, 2012; Quarta, 2014; Sperry, 2018; external communication). This amino acid position is poorly conserved in available vertebrate species. Based on internal structural assessment, this alteration leads to destabilization of the native form of TTR that is similar to other established pathogenic variants in the vicinity (Wojtczak, 2001; Ambry internal data). This alteration is predicted to be deleterious by in silico analysis. Based on the available evidence, this alteration is classified as likely pathogenic.

Fulgent Genetics
Classification: Uncertain significance for Amyloidosis, hereditary systemic 1; Carpal tunnel syndrome 1; Hyperthyroxinemia, dystransthyretinemic. Last evaluated: 2021-07-12. Review status: criteria provided, single submitter. Criteria: ACMG Guidelines, 2015. Collection method: clinical testing. Allele origin: unknown.

GeneDx
Classification: Uncertain significance. Last evaluated: 2019-12-05. Review status: criteria provided, single submitter. Criteria: GeneDx Variant Classification Process June 2021. Collection method: clinical testing. Allele origin: germline. Affected: yes.
Comment: Reported in a patient with a TTR-related cardiac phenotype in the published literature (Connors et al., 2003); reported as Ala81Thr due to the use of alternate nomenclature; Reported in ClinVar as a variant of uncertain significance (ClinVar Variant ID# 181696; Landrum et al., 2016); Not observed at a significant frequency in large population cohorts (Lek et al., 2016); In silico analysis, which includes protein predictors and evolutionary conservation, supports that this variant does not alter protein structure/function; This variant is associated with the following publications: (PMID: 17338921, 15123043, 22551192, 14640030, 15645642)

Athena Diagnostics
Classification: Uncertain significance. Last evaluated: 2016-10-04. Review status: criteria provided, single submitter. Criteria: Athena Diagnostics Criteria. Collection method: clinical testing. Allele origin: germline.

Genetic Services Laboratory, University of Chicago
Classification: Uncertain significance. Last evaluated: 2014-11-26. Review status: criteria provided, single submitter. Criteria: ACMG Guidelines, 2015. Collection method: clinical testing. Allele origin: germline.

Literature cited by the submitters: PubMed 21520333 (cited by Labcorp Genetics (formerly Invitae), Labcorp); PubMed 14640030 (cited by 4 submitters); PubMed 17554795 (cited by Mayo Clinic Laboratories, Mayo Clinic); PubMed 22551192 (cited by 3 submitters); PubMed 24563469 (cited by 3 submitters); PubMed 30336828 (cited by 3 submitters); PubMed 30938420 (cited by Mayo Clinic Laboratories, Mayo Clinic and Women's Health and Genetics/Laboratory Corporation of America, LabCorp); PubMed 33645214 (cited by Mayo Clinic Laboratories, Mayo Clinic); PubMed 34740514 (cited by Mayo Clinic Laboratories, Mayo Clinic); PubMed 35398489 (cited by Mayo Clinic Laboratories, Mayo Clinic); PubMed 37805173 (cited by Mayo Clinic Laboratories, Mayo Clinic and Women's Health and Genetics/Laboratory Corporation of America, LabCorp); PubMed 38204330 (cited by Mayo Clinic Laboratories, Mayo Clinic); PubMed 38523305 (cited by Mayo Clinic Laboratories, Mayo Clinic); PubMed 39655870 (cited by Mayo Clinic Laboratories, Mayo Clinic); PubMed 15123043 (cited by Women's Health and Genetics/Laboratory Corporation of America, LabCorp); PubMed 17338921 (cited by Women's Health and Genetics/Laboratory Corporation of America, LabCorp); PubMed 15645642 (cited by Women's Health and Genetics/Laboratory Corporation of America, LabCorp); PubMed 11418763 (cited by Ambry Genetics).

NM_000371.4(TTR):c.301G>A (p.Ala101Thr)

Gene: TTR (transthyretin; plus strand). Cytogenetic location: 18q12.1.
Variant type: single nucleotide variant.
Coding change: c.301G>A on transcript NM_000371.4 (MANE Select); coding-DNA position 301, G replaced by A.
Protein change: p.Ala101Thr; replaces alanine 101 with threonine.
Molecular consequence: missense variant.
Genome position (GRCh38, 1-based): chr18:31,595,220, G>A. VCF-style: chr18-31595220-G-A. GRCh37 (hg19) VCF-style: chr18-29175183-G-A.
Other names: p.A101T:GCA>ACA; p.Ala101Thr; short protein forms A101T.
Identifiers: ClinVar variation 181696 (VCV000181696.26), dbSNP rs730881165, ClinGen allele CA206402.
Genomic context (GRCh38, chr18:31,595,220, plus strand): 5'-GAGGAGGAATTTGTAGAAGGGATATACAAAGTGGAAATAGACACCAAATCTTACTGGAAG[G>A]CACTTGGCATCTCCCCATTCCATGAGCATGCAGAGGTGAGTATACAGACCTTCGAGGGTT-3'
Protein context (NP_000362.1, residues 91-111): VEIDTKSYWK[Ala101Thr]LGISPFHEHA